The following is an entry in ClinVar:

ClinVar aggregate classification (germline): Pathogenic/Likely pathogenic. Review status: criteria provided, multiple submitters, no conflicts (2 of 4 stars). 3 submissions from 3 submitters: Pathogenic (2); Likely pathogenic (1). Last evaluated 2026-06-12.

Conditions:
ETV6-related disorders.
Inborn genetic diseases. Identifiers: MedGen C0950123, MeSH D030342.

Submissions (3):

Ambry Genetics
Classification: Pathogenic for Inborn genetic diseases. Last evaluated: 2026-06-12. Review status: criteria provided, single submitter. Criteria: Ambry Variant Classification Scheme 2023. Collection method: clinical testing. Allele origin: germline.
Comment: The p.R378* pathogenic mutation (also known as c.1132C>T), located in coding exon 6 of the ETV6 gene, results from a C to T substitution at nucleotide position 1132. This changes the amino acid from an arginine to a stop codon within coding exon 6. This variant was reported in individual(s) with features consistent with ETV6-related thrombocytopenia (Moriyama T et al. Lancet Oncol, 2015 Dec;16:1659-66; Fournier E et al. Br J Haematol, 2020 May;189:e119-e122). In multiple assays testing ETV6 function, this variant showed functionally abnormal results (Nishii R et al. Blood, 2021 Jan;137:364-373). This variant is considered to be rare based on population cohorts in the Genome Aggregation Database (gnomAD). This variant is expected to result in loss of function by premature protein truncation or nonsense-mediated mRNA decay. As such, this variant is interpreted as a disease-causing mutation.

Blueprint Genetics
Classification: Pathogenic for ETV6-related disorders. Last evaluated: 2020-05-29. Review status: criteria provided, single submitter. Criteria: ACMG Guidelines, 2015. Collection method: clinical testing. Allele origin: germline. Affected: yes. Observed: 1 variant allele.

Genetic Services Laboratory, University of Chicago
Classification: Likely pathogenic. Last evaluated: 2019-02-21. Review status: criteria provided, single submitter. Criteria: ACMG Guidelines, 2015. Collection method: clinical testing. Allele origin: germline. Affected: yes.
Comment: DNA sequence analysis of the ETV6 gene demonstrated a sequence change, c.1132C>T, which results in the creation of a premature stop codon at amino acid position 378, p.Arg378*. This likely pathogenic sequence change is predicted to result in an abnormal transcript that impacts the function of ETS binding domain. Other truncating variants have been reported in the ETS binding domain in patients and families with thrombocytopenia and/or acute lymphoblastic leukemia (Melazzini et al., 2016; Topka et al., 2015; Moriyama et al., 2015). This likely pathogenic sequence change has previously been described in a patient with ALL, though no additional information regarding the patient or family history was provided and no functional studies were performed (Moriyama et al., 2015). This likely pathogenic sequence change is the most likely cause of this phenotype; however, functional studies have not been performed to prove this conclusively.

Literature cited by the submitters: PubMed 26522332 (cited by Ambry Genetics); PubMed 32103500 (cited by Ambry Genetics); PubMed 32693409 (cited by Ambry Genetics).

NM_001987.5(ETV6):c.1132C>T (p.Arg378Ter)

Genes: ETV6 (ETS variant transcription factor 6; plus strand), LOC126861452 (CDK7 strongly-dependent group 2 enhancer GRCh37_chr12:12037195-12038394; plus strand). Cytogenetic location: 12p13.2.
Variant type: single nucleotide variant.
Coding change: c.1132C>T on transcript NM_001987.5 (MANE Select); coding-DNA position 1132, C replaced by T.
Protein change: p.Arg378Ter; replaces arginine 378 with a stop codon.
Molecular consequence: nonsense.
Genome position (GRCh38, 1-based): chr12:11,884,567, C>T. VCF-style: chr12-11884567-C-T. GRCh37 (hg19) VCF-style: chr12-12037501-C-T.
Other names: short protein forms R378*.
Identifiers: ClinVar variation 1338490 (VCV001338490.6), dbSNP rs1947157785, ClinGen allele CA384044738.